The following is an entry in ClinVar:

NM_015559.3(SETBP1):c.4084A>C (p.Lys1362Gln)

Gene: SETBP1 (SET binding protein 1; plus strand). Cytogenetic location: 18q12.3.
Variant type: single nucleotide variant.
Coding change: c.4084A>C on transcript NM_015559.3 (MANE Select); coding-DNA position 4084, A replaced by C.
Protein change: p.Lys1362Gln; replaces lysine 1362 with glutamine.
Molecular consequence: missense variant. On other transcripts: intron variant (1).
Genome position (GRCh38, 1-based): chr18:45,038,568, A>C. VCF-style: chr18-45038568-A-C. GRCh37 (hg19) VCF-style: chr18-42618533-A-C.
Other names: c.4084A>C, p.Lys1362Gln (NM_001379141.1, NM_001379142.1); c.4001-24511A>C (NM_001410862.1); short protein forms K1362Q.
Identifiers: ClinVar variation 4772930 (VCV004772930.1).

ClinVar aggregate classification (germline): Uncertain significance (1 of 4 stars; one submission).

gnomAD v4.1: 2 of 1,614,144 alleles (0.00012%); highest among the groups gnomAD compares: Non-Finnish European, 0.00017%; no homozygotes.

Submission:

Labcorp Genetics (formerly Invitae), Labcorp
Classification: Uncertain significance. Last evaluated: 2025-10-15. Review status: criteria provided, single submitter. Criteria: Invitae Variant Classification Sherloc (09022015). Collection method: clinical testing. Allele origin: germline.
Comment: This sequence change replaces lysine, which is basic and polar, with glutamine, which is neutral and polar, at codon 1362 of the SETBP1 protein (p.Lys1362Gln). This variant is not present in population databases (gnomAD no frequency). This variant has not been reported in the literature in individuals affected with SETBP1-related conditions. Invitae Evidence Modeling of protein sequence and biophysical properties (such as structural, functional, and spatial information, amino acid conservation, physicochemical variation, residue mobility, and thermodynamic stability) indicates that this missense variant is not expected to disrupt SETBP1 protein function with a negative predictive value of 80%. In summary, the available evidence is currently insufficient to determine the role of this variant in disease. Therefore, it has been classified as a Variant of Uncertain Significance.